The following is an entry in ClinVar:

ClinVar aggregate classification (germline): Pathogenic (1 of 4 stars; one submission).

Submission:

Labcorp Genetics (formerly Invitae), Labcorp
Classification: Pathogenic. Last evaluated: 2024-01-24. Review status: criteria provided, single submitter. Criteria: Invitae Variant Classification Sherloc (09022015). Collection method: clinical testing. Allele origin: germline.
Comment: This sequence change creates a premature translational stop signal (p.Tyr184*) in the TBX20 gene. It is expected to result in an absent or disrupted protein product. Loss-of-function variants in TBX20 are known to be pathogenic (PMID: 15901664, 25625280, 26118961, 27510170). This variant is not present in population databases (gnomAD no frequency). This variant has not been reported in the literature in individuals affected with TBX20-related conditions. ClinVar contains an entry for this variant (Variation ID: 2103183). For these reasons, this variant has been classified as Pathogenic.

Literature cited by the submitters: PubMed 15901664; PubMed 25625280; PubMed 26118961; PubMed 27510170.

NM_001077653.2(TBX20):c.552T>G (p.Tyr184Ter)

Gene: TBX20 (T-box transcription factor 20; minus strand). Cytogenetic location: 7p14.2.
Variant type: single nucleotide variant.
Coding change: c.552T>G on transcript NM_001077653.2 (MANE Select); coding-DNA position 552, T replaced by G.
Protein change: p.Tyr184Ter; replaces tyrosine 184 with a stop codon.
Molecular consequence: nonsense.
Genome position (GRCh38, 1-based): chr7:35,245,051, A>C on the plus strand (T>G on the coding strand, the complement: TBX20 is on the minus strand). VCF-style: chr7-35245051-A-C. GRCh37 (hg19) VCF-style: chr7-35284663-A-C.
Other names: c.552T>G, p.Tyr184Ter (NM_001166220.1); short protein forms Y184*.
Identifiers: ClinVar variation 2103183 (VCV002103183.4), dbSNP rs1474780670, ClinGen allele CA367264490.